The following is an entry in ClinVar:

NM_005912.3(MC4R):c.731C>A (p.Ala244Glu)

Gene: MC4R (melanocortin 4 receptor; minus strand). Cytogenetic location: 18q21.32.
Variant type: single nucleotide variant.
Coding change: c.731C>A on transcript NM_005912.3 (MANE Select); coding-DNA position 731, C replaced by A.
Protein change: p.Ala244Glu; replaces alanine 244 with glutamic acid.
Molecular consequence: missense variant.
Genome position (GRCh38, 1-based): chr18:60,371,619, G>T on the plus strand (C>A on the coding strand, the complement: MC4R is on the minus strand). VCF-style: chr18-60371619-G-T. GRCh37 (hg19) VCF-style: chr18-58038852-G-T.
Other names: short protein forms A244E.
Identifiers: ClinVar variation 3348555 (VCV003348555.1).

ClinVar aggregate classification (germline): Uncertain significance (0 of 4 stars; one submission).

Conditions:
MC4R-related disorder. Also called: MC4R-related condition.

Submission:

PreventionGenetics, part of Exact Sciences
Classification: Uncertain significance for MC4R-related condition. Last evaluated: 2024-06-28. Review status: no assertion criteria provided. Collection method: clinical testing. Allele origin: germline.
Comment: The MC4R c.731C>A variant is predicted to result in the amino acid substitution p.Ala244Glu. This variant has been reported in the heterozygous state in individuals with obesity (Stutzmann et al. 2008. PubMed ID: 18559663; Lubrano-Berthelier et al. 2003. PubMed ID: 12499395). However, in one of the associated families, there was imperfect segregation with obesity (Lubrano-Berthelier et al. 2003. PubMed ID: 12499395). Functional studies have shown conflicting results, with some indicating the variant has no effect on the protein cell surface expression and function (Lubrano-Berthelier et al. 2003. PubMed ID: 12499395) and others indicating the variant reduces protein function (Hinney et al. 2003. PubMed ID: 12970296; Xiang et al. 2006. PubMed ID: 16752916; Kim et al. 2008. PubMed ID: 17986382; Lotta et al. 2019. PubMed ID: 31002796). This variant is documented in 0.004% of alleles in individuals of African descent in a large population database. Although we suspect that this variant may be pathogenic, at this time its clinical significance is uncertain due to the absence of conclusive functional and genetic evidence.